The following is an entry in ClinVar:

NM_182961.4(SYNE1):c.23162T>C (p.Val7721Ala)

Gene: SYNE1 (spectrin repeat containing nuclear envelope protein 1; minus strand). Cytogenetic location: 6q25.2.
Variant type: single nucleotide variant.
Coding change: c.23162T>C on transcript NM_182961.4 (MANE Select); coding-DNA position 23162, T replaced by C.
Protein change: p.Val7721Ala; replaces valine 7721 with alanine.
Molecular consequence: missense variant.
Genome position (GRCh38, 1-based): chr6:152,189,391, A>G on the plus strand (T>C on the coding strand, the complement: SYNE1 is on the minus strand). VCF-style: chr6-152189391-A-G. GRCh37 (hg19) VCF-style: chr6-152510526-A-G.
Other names: c.22949T>C, p.Val7650Ala (NM_033071.5); short protein forms V7721A, V7650A.
Identifiers: ClinVar variation 662831 (VCV000662831.8), dbSNP rs374073415, ClinGen allele CA4053669.
Genomic context (GRCh38, chr6:152,189,391, plus strand): 5'-TAGGCAGAGAGGGTGTCCTTCAGCAGGCTCAACTGGGTCAAGTCATCTGTCCAGCTCCCA[A>G]CTGCATTTTCTAATTCCTAAATAAAAAAACAAACTTGAATACCCACGGACATCTCCTGCC-3'
Protein context (NP_892006.3, residues 7711-7731): QMRCKELENA[Val7721Ala]GSWTDDLTQL

ClinVar aggregate classification (germline): Uncertain significance (1 of 4 stars; one submission).

Conditions:
Emery-Dreifuss muscular dystrophy 4, autosomal dominant (EDMD4). Also called: EMERY-DREIFUSS MUSCULAR DYSTROPHY 4 WITH VARIABLE FEATURES. Identifiers: Orphanet 261, MedGen C2751807, MONDO:0013071, OMIM 612998.
Autosomal recessive ataxia, Beauce type. Also called: Spinocerebellar ataxia, autosomal recessive 8; ATAXIA, RECESSIVE, OF BEAUCE; SYNE1-Related Autosomal Recessive Cerebellar Ataxia; SYNE1 Deficiency. Identifiers: Orphanet 88644, MedGen C1853116, MONDO:0012549, OMIM 610743.

Allele frequency attached by ClinVar (database versions not stated): TOPMed below 0.00001; gnomAD 0.00001; gnomAD exomes 0.00001 and 0.00004; ExAC 0.00005; ESP Exome Variant Server 0.00008.
gnomAD v4.1: 14 of 1,613,942 alleles (0.00087%); highest among the groups gnomAD compares: Middle Eastern, 0.016%; no homozygotes.

Submission:

Labcorp Genetics (formerly Invitae), Labcorp
Classification: Uncertain significance for Emery-Dreifuss muscular dystrophy 4, autosomal dominant; Autosomal recessive ataxia, Beauce type. Last evaluated: 2024-07-22. Review status: criteria provided, single submitter. Criteria: Invitae Variant Classification Sherloc (09022015). Collection method: clinical testing. Allele origin: germline.
Comment: This sequence change replaces valine, which is neutral and non-polar, with alanine, which is neutral and non-polar, at codon 7650 of the SYNE1 protein (p.Val7650Ala). This variant is present in population databases (rs374073415, gnomAD 0.02%). This variant has not been reported in the literature in individuals affected with SYNE1-related conditions. ClinVar contains an entry for this variant (Variation ID: 662831). An algorithm developed to predict the effect of missense changes on protein structure and function outputs the following: PolyPhen-2: "Benign". The alanine amino acid residue is found in multiple mammalian species, which suggests that this missense change does not adversely affect protein function. In summary, the available evidence is currently insufficient to determine the role of this variant in disease. Therefore, it has been classified as a Variant of Uncertain Significance.